The following is an entry in ClinVar:

ClinVar aggregate classification (germline): Conflicting classifications of pathogenicity. Review status: criteria provided, conflicting classifications (1 of 4 stars). 4 submissions from 4 submitters: Uncertain significance (3); Likely benign (1). Last evaluated 2025-11-30.

Conditions:
COL2A1-related disorder. Also called: COL2A1-related condition; COL2A1-related disorders.
Spondyloepimetaphyseal dysplasia, Strudwick type (SEMDSTWK). Also called: DAPPLED METAPHYSIS SYNDROME; STRUDWICK SYNDROME. Identifiers: Orphanet 93346, MedGen C0700635, MONDO:0008476, OMIM 184250.
Namaqualand hip dysplasia (OSCDP). Also called: Mild spondyloepiphyseal dysplasia due to COL2A1 mutation with early-onset osteoarthritis. Identifiers: Orphanet 93279, MedGen C0432214, MONDO:0011496, OMIM 604864.
Multiple epiphyseal dysplasia, Beighton type. Identifiers: Orphanet 166011, MedGen C1851536, MONDO:0007562, OMIM 132450.
Achondrogenesis type II (ACG2). Also called: ACHONDROGENESIS, LANGER-SALDINO TYPE; CHONDROGENESIS IMPERFECTA. Identifiers: Orphanet 932, Orphanet 93296, MedGen C0220685, MONDO:0008702, OMIM 200610.
Platyspondylic dysplasia, Torrance type (PLSDT). Identifiers: Orphanet 85166, MedGen C1835437, MONDO:0007895, OMIM 151210.
Spondyloperipheral dysplasia. Also called: SPONDYLOPERIPHERAL DYSPLASIA WITH SHORT ULNA; Spondyloperipheral dysplasia-short ulna syndrome. Identifiers: Orphanet 1856, MedGen C0796173, MONDO:0010078, OMIM 271700.
Stickler syndrome type 1 (STL1). Also called: ARTHROOPHTHALMOPATHY, HEREDITARY PROGRESSIVE; STICKLER SYNDROME, MEMBRANOUS VITREOUS TYPE; STICKLER SYNDROME, VITREOUS TYPE 1; COL2A1-Related Stickler Syndrome. Identifiers: Orphanet 828, Orphanet 90653, MedGen C2020284, MONDO:0007160, OMIM 108300.
Avascular necrosis of femoral head, primary, 1 (ANFH1). Also called: Avascular necrosis of femoral head, primary. Identifiers: Orphanet 86820, MedGen C4551562, MONDO:0054550, OMIM 608805.
Stickler syndrome, type I, nonsyndromic ocular. Also called: STICKLER SYNDROME, TYPE I, PREDOMINANTLY OCULAR; STICKLER SYNDROME, ATYPICAL. Identifiers: MedGen C1836080, MONDO:0012287, OMIM 609508.
Kniest dysplasia. Identifiers: Orphanet 485, MedGen C0265279, MONDO:0007987, OMIM 156550.
Spondyloepiphyseal dysplasia, Stanescu type. Also called: SED, STANESCU TYPE; SPONDYLOEPIMETAPHYSEAL DYSPLASIA, STANESCU TYPE. Identifiers: Orphanet 459051, MedGen C4225273, MONDO:0014701, OMIM 616583.
Vitreoretinopathy with phalangeal epiphyseal dysplasia (VPED). Identifiers: MedGen C1852989, MONDO:0031001, OMIM 619248.
Spondyloepiphyseal dysplasia with metatarsal shortening. Also called: Pseudorheumatoid dysplasia progressive, with hypoplastic toes; CZECH DYSPLASIA, METATARSAL TYPE; SPONDYLOEPIPHYSEAL DYSPLASIA WITH PRECOCIOUS OSTEOARTHRITIS. Identifiers: Orphanet 137678, MedGen C1836683, MONDO:0012206, OMIM 609162.
Spondyloepiphyseal dysplasia congenita (SEDC). Also called: SED CONGENITA; SPONDYLOEPIPHYSEAL DYSPLASIA, CONGENITAL TYPE. Identifiers: Orphanet 94068, MedGen C2745959, MONDO:0008471, OMIM 183900.
Legg-Calve-Perthes disease. Also called: Osteochondritis deformans; Coxa plana; PERTHES DISEASE; Avascular necrosis of the capital femoral epiphysis. Identifiers: Orphanet 2380, MedGen C1442965, MONDO:0007885, OMIM 150600, HP:0005743.

Allele frequency attached by ClinVar (database versions not stated): ExAC 0.00001; gnomAD exomes 0.00001 and 0.00003; gnomAD 0.00003 and 0.00005; TOPMed 0.00006.
gnomAD v4.1: 55 of 1,613,832 alleles (0.0034%); highest among the groups gnomAD compares: East Asian, 0.0089%; no homozygotes.

Submissions (4):

PreventionGenetics, part of Exact Sciences
Classification: Uncertain significance for COL2A1-related condition. Last evaluated: 2025-11-30. Review status: criteria provided, single submitter. Criteria: ACMG Guidelines, 2015. Collection method: clinical testing. Allele origin: germline.
Comment: The COL2A1 c.2308G>A variant is predicted to result in the amino acid substitution p.Val770Ile. To our knowledge, this variant has not been reported in the literature. This variant is reported in 0.0023% of alleles in individuals of European (Non-Finnish) descent in gnomAD. Alternative variant at the same codon p.Val770Leu was observed in an individual with Congenital glaucoma, iris coloboma, and cleft palate and dysmorphic features, however this variant was inherited from unaffected parent and proband had another de novo variant in COL2A1 gene (Zechi-Ceide et al. 2008. PubMed ID: 18541977). At this time, the clinical significance of this variant is uncertain due to the absence of conclusive functional and genetic evidence.

Labcorp Genetics (formerly Invitae), Labcorp
Classification: Likely benign. Last evaluated: 2025-09-07. Review status: criteria provided, single submitter. Criteria: Invitae Variant Classification Sherloc (09022015). Collection method: clinical testing. Allele origin: germline.

Fulgent Genetics
Classification: Uncertain significance for Stickler syndrome type 1; Multiple epiphyseal dysplasia, Beighton type; Legg-Calve-Perthes disease; Platyspondylic dysplasia, Torrance type; Kniest dysplasia; Spondyloepiphyseal dysplasia congenita; Spondyloepimetaphyseal dysplasia, Strudwick type; Achondrogenesis type II; Spondyloperipheral dysplasia; Namaqualand hip dysplasia; Avascular necrosis of femoral head, primary, 1; Spondyloepiphyseal dysplasia with metatarsal shortening; Stickler syndrome, type I, nonsyndromic ocular; Spondyloepiphyseal dysplasia, Stanescu type; Vitreoretinopathy with phalangeal epiphyseal dysplasia. Last evaluated: 2024-05-09. Review status: criteria provided, single submitter. Criteria: ACMG Guidelines, 2015. Collection method: clinical testing. Allele origin: germline.

GeneDx
Classification: Uncertain significance. Last evaluated: 2024-03-28. Review status: criteria provided, single submitter. Criteria: GeneDx Variant Classification Process June 2021. Collection method: clinical testing. Allele origin: germline. Affected: yes.
Comment: In silico analysis supports that this missense variant does not alter protein structure/function; Occurs in the triple helical domain at the Y position in the canonical Gly-X-Y repeat; although this variant may have an effect on normal protein folding and function, missense substitution at the Y position is not a common mechanism of disease (HGMD); Identified in a patient with congenital glaucoma, iris coloboma, and cleft palate who inherited the variant from an unaffected parent and harbored a different COL2A1 variant apparently de novo (PMID: 18541977); This variant is associated with the following publications: (PMID: 18541977)

NM_001844.5(COL2A1):c.2308G>A (p.Val770Ile)

Gene: COL2A1 (collagen type II alpha 1 chain; minus strand). Cytogenetic location: 12q13.11.
Variant type: single nucleotide variant.
Coding change: c.2308G>A on transcript NM_001844.5 (MANE Select); coding-DNA position 2308, G replaced by A.
Protein change: p.Val770Ile; replaces valine 770 with isoleucine.
Molecular consequence: missense variant.
Genome position (GRCh38, 1-based): chr12:47,982,154, C>T on the plus strand (G>A on the coding strand, the complement: COL2A1 is on the minus strand). VCF-style: chr12-47982154-C-T. GRCh37 (hg19) VCF-style: chr12-48375937-C-T.
Other names: c.2101G>A, p.Val701Ile (NM_033150.3); c.2308G>A (NM_001844.4); short protein forms V701I, V770I.
Identifiers: ClinVar variation 1418604 (VCV001418604.9), dbSNP rs368583168, ClinGen allele CA6535144.